The following is an entry in ClinVar:

NM_001184.4(ATR):c.6217G>A (p.Gly2073Ser)

Genes: ATR (ATR checkpoint kinase; minus strand), LOC126806830 (BRD4-independent group 4 enhancer GRCh37_chr3:142203676-142204875; plus strand). Cytogenetic location: 3q23.
Variant type: single nucleotide variant.
Coding change: c.6217G>A on transcript NM_001184.4 (MANE Select); coding-DNA position 6217, G replaced by A.
Protein change: p.Gly2073Ser; replaces glycine 2073 with serine.
Molecular consequence: missense variant.
Genome position (GRCh38, 1-based): chr3:142,485,144, C>T on the plus strand (G>A on the coding strand, the complement: ATR is on the minus strand). VCF-style: chr3-142485144-C-T. GRCh37 (hg19) VCF-style: chr3-142203986-C-T.
Other names: c.6025G>A, p.Gly2009Ser (NM_001354579.2); short protein forms G2009S, G2073S.
Identifiers: ClinVar variation 1752242 (VCV001752242.2), dbSNP rs1330121617, ClinGen allele CA354809277.

ClinVar aggregate classification (germline): Uncertain significance (1 of 4 stars; one submission).

Conditions:
Inborn genetic diseases. Identifiers: MedGen C0950123, MeSH D030342.

Allele frequency attached by ClinVar (database versions not stated): gnomAD exomes below 0.00001; TOPMed below 0.00001.
gnomAD v4.1: 1 of 1,614,116 alleles (0.000062%); highest among the groups gnomAD compares: Admixed American, 0.0017%; no homozygotes.

Submission:

Ambry Genetics
Classification: Uncertain significance for Inborn genetic diseases. Last evaluated: 2021-08-08. Review status: criteria provided, single submitter. Criteria: Ambry Variant Classification Scheme 2023. Collection method: clinical testing. Allele origin: germline.
Comment: The p.G2073S variant (also known as c.6217G>A), located in coding exon 36 of the ATR gene, results from a G to A substitution at nucleotide position 6217. The glycine at codon 2073 is replaced by serine, an amino acid with similar properties. This amino acid position is conserved. In addition, this alteration is predicted to be deleterious by in silico analysis. Since supporting evidence is limited at this time, the clinical significance of this alteration remains unclear.